The following is an entry in ClinVar:

NM_004415.4(DSP):c.939+16G>A

Gene: DSP (desmoplakin; plus strand). Cytogenetic location: 6p24.3.
Variant type: single nucleotide variant.
Coding change: c.939+16G>A on transcript NM_004415.4 (MANE Select); 16 bases into the intron after coding-DNA position 939, G replaced by A.
Molecular consequence: intron variant.
Genome position (GRCh38, 1-based): chr6:7,565,536, G>A. VCF-style: chr6-7565536-G-A. GRCh37 (hg19) VCF-style: chr6-7565769-G-A.
Other names: c.939+16G>A (NM_001319034.2, NM_001008844.3, LRG_423t1).
Identifiers: ClinVar variation 512731 (VCV000512731.4), dbSNP rs781034092, ClinGen allele CA053079.

ClinVar aggregate classification (germline): Likely benign. Review status: criteria provided, multiple submitters, no conflicts (2 of 4 stars). 2 submissions from 2 submitters: Likely benign (2). Last evaluated 2024-09-18.

Conditions:
Arrhythmogenic cardiomyopathy with wooly hair and keratoderma. Also called: PALMOPLANTAR KERATODERMA WITH LEFT VENTRICULAR CARDIOMYOPATHY AND WOOLLY HAIR; Carvajal syndrome; Dilated cardiomyopathy with woolly hair and keratoderma; Arrhythmogenic cardiomyopathy with woolly hair and keratoderma. Identifiers: Orphanet 65282, MedGen C1854063, MONDO:0011581, OMIM 605676.
Arrhythmogenic right ventricular dysplasia 8 (ARVD8). Also called: ARRHYTHMOGENIC RIGHT VENTRICULAR DYSPLASIA, FAMILIAL, 8; ARRHYTHMOGENIC RIGHT VENTRICULAR CARDIOMYOPATHY 8; Arrhythmogenic Right Ventricular Dysplasia/Cardiomyopathy 8. Identifiers: MedGen C1843896, MONDO:0011831, OMIM 607450.

Allele frequency attached by ClinVar (database versions not stated): ExAC 0.00001; gnomAD 0.00001 and 0.00002; gnomAD exomes 0.00001 and 0.00002; TOPMed 0.00001.
gnomAD v4.1: 19 of 1,613,632 alleles (0.0012%); highest among the groups gnomAD compares: Admixed American, 0.0083%; no homozygotes.

Submissions (2):

Labcorp Genetics (formerly Invitae), Labcorp
Classification: Likely benign for Arrhythmogenic cardiomyopathy with wooly hair and keratoderma; Arrhythmogenic right ventricular dysplasia 8. Last evaluated: 2024-09-18. Review status: criteria provided, single submitter. Criteria: Invitae Variant Classification Sherloc (09022015). Collection method: clinical testing. Allele origin: germline.

GeneDx
Classification: Likely benign. Last evaluated: 2017-10-20. Review status: criteria provided, single submitter. Criteria: GeneDx Variant Classification (06012015). Collection method: clinical testing. Allele origin: germline. Affected: yes.
Comment: This variant is considered likely benign or benign based on one or more of the following criteria: it is a conservative change, it occurs at a poorly conserved position in the protein, it is predicted to be benign by multiple in silico algorithms, and/or has population frequency not consistent with disease.